The following is an entry in ClinVar:

ClinVar aggregate classification (germline): Uncertain significance (1 of 4 stars; one submission).

Conditions:
Cardiovascular phenotype. Identifiers: MedGen CN230736.

gnomAD v4.1: 1 of 1,614,202 alleles (0.000062%); highest among the groups gnomAD compares: Non-Finnish European, 0.000085%; no homozygotes.

Submission:

Ambry Genetics
Classification: Uncertain significance for Cardiovascular phenotype. Last evaluated: 2025-07-13. Review status: criteria provided, single submitter. Criteria: Ambry Variant Classification Scheme 2023. Collection method: clinical testing. Allele origin: germline.
Comment: The p.K172R variant (also known as c.515A>G), located in coding exon 6 of the TXNRD2 gene, results from an A to G substitution at nucleotide position 515. The lysine at codon 172 is replaced by arginine, an amino acid with highly similar properties. This amino acid position is conserved. In addition, this alteration is predicted to be tolerated by in silico analysis. Based on the available evidence, the clinical significance of this variant remains unclear.

NM_006440.5(TXNRD2):c.515A>G (p.Lys172Arg)

Gene: TXNRD2 (thioredoxin reductase 2; minus strand). Cytogenetic location: 22q11.21.
Variant type: single nucleotide variant.
Coding change: c.515A>G on transcript NM_006440.5 (MANE Select); coding-DNA position 515, A replaced by G.
Protein change: p.Lys172Arg; replaces lysine 172 with arginine.
Molecular consequence: missense variant. On other transcripts: non-coding transcript variant (1).
Genome position (GRCh38, 1-based): chr22:19,915,778, T>C on the plus strand (A>G on the coding strand, the complement: TXNRD2 is on the minus strand). VCF-style: chr22-19915778-T-C. GRCh37 (hg19) VCF-style: chr22-19903301-T-C.
Other names: c.515A>G, p.Lys172Arg (NM_001282512.3); c.512A>G, p.Lys171Arg (NM_001352300.2); c.425A>G, p.Lys142Arg (NM_001352301.2); c.227A>G, p.Lys76Arg (NM_001352302.2); c.419A>G, p.Lys140Arg (NM_001352303.2); short protein forms K172R, K142R, K76R, K140R, K171R.
Identifiers: ClinVar variation 4194432 (VCV004194432.1).